The following is an entry in ClinVar:

NM_001099922.3(ALG13):c.2756C>T (p.Pro919Leu)

Gene: ALG13 (ALG13 UDP-N-acetylglucosaminyltransferase subunit; plus strand). Cytogenetic location: Xq23.
Variant type: single nucleotide variant.
Coding change: c.2756C>T on transcript NM_001099922.3 (MANE Select); coding-DNA position 2756, C replaced by T.
Protein change: p.Pro919Leu; replaces proline 919 with leucine.
Molecular consequence: missense variant. On other transcripts: intron variant (5).
Genome position (GRCh38, 1-based): chrX:111,744,728, C>T. VCF-style: chrX-111744728-C-T. GRCh37 (hg19) VCF-style: chrX-110987956-C-T.
Other names: c.2522C>T, p.Pro841Leu (NM_001257231.2); c.2383+7849C>T (NM_001257237.2, NM_001257234.2, NM_001257230.2); c.2209+7849C>T (NM_001324293.1); c.2695+7849C>T (NM_001324292.2); short protein forms P841L, P919L.
Identifiers: ClinVar variation 2572871 (VCV002572871.5), dbSNP rs2526298423, ClinGen allele CA414291463.
Genomic context (GRCh38, chrX:111,744,728, plus strand): 5'-TGATTGCCTCACCATCCTATCCATGCCATTCTGCTATTCCTCATGCTGGTGCCTCTCTAC[C>T]ACCACCACCACCACCACCACCACCACCACCACCACCACCACCTCCTCCTCCTCCTCCTCC-3'
Protein context (NP_001093392.1, residues 909-929): SAIPHAGASL[Pro919Leu]PPPPPPPPPP

ClinVar aggregate classification (germline): Uncertain significance. Review status: criteria provided, multiple submitters, no conflicts (2 of 4 stars). 3 submissions from 3 submitters: Uncertain significance (3). Last evaluated 2024-06-27.

Conditions:
Developmental and epileptic encephalopathy, 36 (DEE36). Also called: Congenital disorder of glycosylation, type Is; ALG13-CDG; Epileptic encephalopathy, early infantile, 36. Identifiers: Orphanet 324422, MedGen C4317295, MONDO:0010472, OMIM 300884.

Submissions (3):

Blueprint Genetics
Classification: Uncertain significance. Last evaluated: 2024-06-27. Review status: criteria provided, single submitter. Criteria: ACMG Guidelines, 2015. Collection method: clinical testing. Allele origin: germline.

Labcorp Genetics (formerly Invitae), Labcorp
Classification: Uncertain significance for Developmental and epileptic encephalopathy, 36. Last evaluated: 2023-09-10. Review status: criteria provided, single submitter. Criteria: Invitae Variant Classification Sherloc (09022015). Collection method: clinical testing. Allele origin: germline.
Comment: In summary, the available evidence is currently insufficient to determine the role of this variant in disease. Therefore, it has been classified as a Variant of Uncertain Significance. This variant is not present in population databases (gnomAD no frequency). An algorithm developed to predict the effect of missense changes on protein structure and function (PolyPhen-2) suggests that this variant is likely to be tolerated. ClinVar contains an entry for this variant (Variation ID: 2572871). This variant has not been reported in the literature in individuals affected with ALG13-related conditions. This sequence change replaces proline, which is neutral and non-polar, with leucine, which is neutral and non-polar, at codon 919 of the ALG13 protein (p.Pro919Leu).

GeneDx
Classification: Uncertain significance. Last evaluated: 2023-01-13. Review status: criteria provided, single submitter. Criteria: GeneDx Variant Classification Process June 2021. Collection method: clinical testing. Allele origin: germline. Affected: yes.
Comment: Not observed at significant frequency in large population cohorts (gnomAD); In silico analysis supports that this missense variant does not alter protein structure/function; Has not been previously published as pathogenic or benign to our knowledge